The following is an entry in ClinVar:

NM_006949.4(STXBP2):c.808G>T (p.Gly270Trp)

Gene: STXBP2 (syntaxin binding protein 2; plus strand). Cytogenetic location: 19p13.2.
Variant type: single nucleotide variant.
Coding change: c.808G>T on transcript NM_006949.4 (MANE Select); coding-DNA position 808, G replaced by T.
Protein change: p.Gly270Trp; replaces glycine 270 with tryptophan.
Molecular consequence: missense variant. On other transcripts: non-coding transcript variant (1).
Genome position (GRCh38, 1-based): chr19:7,642,442, G>T. VCF-style: chr19-7642442-G-T. GRCh37 (hg19) VCF-style: chr19-7707328-G-T.
Other names: c.799G>T, p.Gly267Trp (NM_001127396.3); c.841G>T, p.Gly281Trp (NM_001272034.2); c.808G>T (NM_006949.3); short protein forms G267W, G270W, G281W.
Identifiers: ClinVar variation 1064395 (VCV001064395.6), dbSNP rs187320742, ClinGen allele CA9143806.

ClinVar aggregate classification (germline): Uncertain significance. Review status: criteria provided, multiple submitters, no conflicts (2 of 4 stars). 3 submissions from 3 submitters: Uncertain significance (3). Last evaluated 2025-09-10.

Conditions:
STXBP2-related disorder. Also called: STXBP2-related condition.
Familial hemophagocytic lymphohistiocytosis 5. Also called: STXBP2-Related Familial Hemophagocytic Lymphohistiocytosis (STXBP2-fHLH). Identifiers: Orphanet 540, MedGen C2751293, MONDO:0013135, OMIM 613101.

Allele frequency attached by ClinVar (database versions not stated): ExAC 0.00003; gnomAD 0.00003 and 0.00005; 1000 Genomes Project 30x 0.00031; 1000 Genomes Project 0.00040.

Submissions (3):

PreventionGenetics, part of Exact Sciences
Classification: Uncertain significance for STXBP2-related condition. Last evaluated: 2025-09-10. Review status: criteria provided, single submitter. Criteria: ACMG Guidelines, 2015. Collection method: clinical testing. Allele origin: germline.
Comment: The STXBP2 c.808G>T variant is predicted to result in the amino acid substitution p.Gly270Trp. This variant has been reported in a cohort study of individuals with hemophagocytic lymphohistiocytosis (Miao et al. 2019. PubMed ID: 30899265) and is reported in the UK Biobank in association with inherited hemostasis disorders (Supplementary Table ST3.3, Stefanucci et al. 2023. PubMed ID: 37647632). This variant is reported in 0.035% of alleles in individuals of East Asian descent in gnomAD. At this time, the clinical significance of this variant is uncertain due to the absence of conclusive functional and genetic evidence.

Blueprint Genetics
Classification: Uncertain significance. Last evaluated: 2022-12-28. Review status: criteria provided, single submitter. Criteria: ACMG Guidelines, 2015. Collection method: clinical testing. Allele origin: germline.

Labcorp Genetics (formerly Invitae), Labcorp
Classification: Uncertain significance for Familial hemophagocytic lymphohistiocytosis 5. Last evaluated: 2022-07-05. Review status: criteria provided, single submitter. Criteria: Invitae Variant Classification Sherloc (09022015). Collection method: clinical testing. Allele origin: germline.
Comment: This sequence change replaces glycine, which is neutral and non-polar, with tryptophan, which is neutral and slightly polar, at codon 270 of the STXBP2 protein (p.Gly270Trp). This variant is present in population databases (rs187320742, gnomAD 0.03%). This missense change has been observed in individual(s) with familial hemophagocytic lymphohistiocytosis (PMID: 30899265). ClinVar contains an entry for this variant (Variation ID: 1064395). Algorithms developed to predict the effect of missense changes on protein structure and function are either unavailable or do not agree on the potential impact of this missense change (SIFT: "Deleterious"; PolyPhen-2: "Probably Damaging"; Align-GVGD: "Class C15"). In summary, the available evidence is currently insufficient to determine the role of this variant in disease. Therefore, it has been classified as a Variant of Uncertain Significance.

Literature cited by the submitters: PubMed 30899265 (cited by Labcorp Genetics (formerly Invitae), Labcorp).